The following is an entry in ClinVar:

NM_001319074.4(RAX2):c.513G>C (p.Lys171Asn)

Gene: RAX2 (retina and anterior neural fold homeobox 2; minus strand). Cytogenetic location: 19p13.3.
Variant type: single nucleotide variant.
Coding change: c.513G>C on transcript NM_001319074.4 (MANE Select); coding-DNA position 513, G replaced by C.
Protein change: p.Lys171Asn; replaces lysine 171 with asparagine.
Molecular consequence: missense variant.
Genome position (GRCh38, 1-based): chr19:3,770,663, C>G on the plus strand (G>C on the coding strand, the complement: RAX2 is on the minus strand). VCF-style: chr19-3770663-C-G. GRCh37 (hg19) VCF-style: chr19-3770661-C-G.
Other names: c.513G>C, p.Lys171Asn (NM_032753.4); short protein forms K171N.
Identifiers: ClinVar variation 1461501 (VCV001461501.8), dbSNP rs2145735879, ClinGen allele CA403374046.

ClinVar aggregate classification (germline): Uncertain significance (1 of 4 stars; one submission).

Submission:

Labcorp Genetics (formerly Invitae), Labcorp
Classification: Uncertain significance. Last evaluated: 2021-03-26. Review status: criteria provided, single submitter. Criteria: Invitae Variant Classification Sherloc (09022015). Collection method: clinical testing. Allele origin: germline.
Comment: In summary, the available evidence is currently insufficient to determine the role of this variant in disease. Therefore, it has been classified as a Variant of Uncertain Significance. Algorithms developed to predict the effect of missense changes on protein structure and function (SIFT, PolyPhen-2, Align-GVGD) all suggest that this variant is likely to be disruptive, but these predictions have not been confirmed by published functional studies and their clinical significance is uncertain. This variant has not been reported in the literature in individuals with RAX2-related conditions. The frequency data for this variant in the population databases is considered unreliable, as metrics indicate insufficient coverage at this position in the ExAC database. This sequence change replaces lysine with asparagine at codon 171 of the RAX2 protein (p.Lys171Asn). The lysine residue is highly conserved and there is a moderate physicochemical difference between lysine and asparagine.